The following is an entry in ClinVar:

ClinVar aggregate classification (germline): Conflicting classifications of pathogenicity. Review status: criteria provided, conflicting classifications (1 of 4 stars). 3 submissions from 3 submitters: Uncertain significance (1); Likely benign (1). 1 of the submissions does not count toward it. Last evaluated 2024-08-26.

Conditions:
FYCO1-related disorder. Also called: FYCO1-related condition.
Inborn genetic diseases. Identifiers: MedGen C0950123, MeSH D030342.
Cataract 18 (CATC2). Also called: CATARACT 18, AUTOSOMAL RECESSIVE. Identifiers: Orphanet 91492, Orphanet 98991, Orphanet 98992, Orphanet 98995, MedGen C1864908, MONDO:0012395, OMIM 610019.

Allele frequency attached by ClinVar (database versions not stated): gnomAD 0.00004; gnomAD exomes 0.00017; TOPMed 0.00018; ExAC 0.00030.
gnomAD v4.1: 112 of 1,614,084 alleles (0.0069%); highest among the groups gnomAD compares: Admixed American, 0.18%; no homozygotes.

Submissions (3):

Ambry Genetics
Classification: Uncertain significance for Inborn genetic diseases. Last evaluated: 2024-08-26. Review status: criteria provided, single submitter. Criteria: Ambry Variant Classification Scheme 2023. Collection method: clinical testing. Allele origin: germline.

Labcorp Genetics (formerly Invitae), Labcorp
Classification: Likely benign for Cataract 18. Last evaluated: 2024-04-22. Review status: criteria provided, single submitter. Criteria: Invitae Variant Classification Sherloc (09022015). Collection method: clinical testing. Allele origin: germline.

PreventionGenetics, part of Exact Sciences
Classification: Likely benign for FYCO1-related condition. Last evaluated: 2023-02-09. Review status: no assertion criteria provided. Collection method: clinical testing. Allele origin: germline. Not counted in ClinVar's aggregate classification.
Comment: This variant is classified as likely benign based on ACMG/AMP sequence variant interpretation guidelines (Richards et al. 2015 PMID: 25741868, with internal and published modifications).

NM_024513.4(FYCO1):c.3425T>C (p.Ile1142Thr)

Gene: FYCO1 (FYVE and coiled-coil domain autophagy adaptor 1; minus strand). Cytogenetic location: 3p21.31.
Variant type: single nucleotide variant.
Coding change: c.3425T>C on transcript NM_024513.4 (MANE Select); coding-DNA position 3425, T replaced by C.
Protein change: p.Ile1142Thr; replaces isoleucine 1142 with threonine.
Molecular consequence: missense variant. On other transcripts: non-coding transcript variant (1).
Genome position (GRCh38, 1-based): chr3:45,962,237, A>G on the plus strand (T>C on the coding strand, the complement: FYCO1 is on the minus strand). VCF-style: chr3-45962237-A-G. GRCh37 (hg19) VCF-style: chr3-46003729-A-G.
Other names: c.3425T>C (NM_024513.2, NM_024513.3); c.3425T>C, p.Ile1142Thr (NM_001386421.1, NM_001386422.1, NM_001386423.1 and 4 more transcripts); c.3305T>C, p.Ile1102Thr (NM_001386426.1); c.3281T>C, p.Ile1094Thr (NM_001386427.1); c.2825T>C, p.Ile942Thr (NM_001386430.1); short protein forms I1102T, I1142T, I942T, I1094T.
Identifiers: ClinVar variation 1978744 (VCV001978744.7), dbSNP rs746250940, ClinGen allele CA2352796.